The following is an entry in ClinVar:

NM_001130823.3(DNMT1):c.3067G>A (p.Gly1023Ser)

Gene: DNMT1 (DNA methyltransferase 1; minus strand). Cytogenetic location: 19p13.2.
Variant type: single nucleotide variant.
Coding change: c.3067G>A on transcript NM_001130823.3 (MANE Select); coding-DNA position 3067, G replaced by A.
Protein change: p.Gly1023Ser; replaces glycine 1023 with serine.
Molecular consequence: missense variant.
Genome position (GRCh38, 1-based): chr19:10,143,815, C>T on the plus strand (G>A on the coding strand, the complement: DNMT1 is on the minus strand). VCF-style: chr19-10143815-C-T. GRCh37 (hg19) VCF-style: chr19-10254491-C-T.
Other names: c.3019G>A, p.Gly1007Ser (NM_001318730.2, NM_001379.4); c.2704G>A, p.Gly902Ser (NM_001318731.2); short protein forms G1023S, G1007S, G902S.
Identifiers: ClinVar variation 937516 (VCV000937516.9), dbSNP rs1256073808, ClinGen allele CA403975685.

ClinVar aggregate classification (germline): Uncertain significance (1 of 4 stars; one submission).

Conditions:
Hereditary sensory neuropathy-deafness-dementia syndrome. Also called: Hereditary Sensory and Autonomic Neuropathy Type 1E (HSAN1E); NEUROPATHY, HEREDITARY SENSORY, WITH HEARING LOSS AND DEMENTIA; Hereditary sensory neuropathy type IE; HSN IE. Identifiers: Orphanet 456318, MedGen C3279885, MONDO:0013584, OMIM 614116.

Allele frequency attached by ClinVar (database versions not stated): gnomAD exomes 0.00001 and below 0.00001; gnomAD below 0.00001 and 0.00001.
gnomAD v4.1: 12 of 1,614,002 alleles (0.00074%); highest among the groups gnomAD compares: South Asian, 0.0022%; no homozygotes.

Submission:

Labcorp Genetics (formerly Invitae), Labcorp
Classification: Uncertain significance for Hereditary sensory neuropathy-deafness-dementia syndrome. Last evaluated: 2024-08-21. Review status: criteria provided, single submitter. Criteria: Invitae Variant Classification Sherloc (09022015). Collection method: clinical testing. Allele origin: germline.
Comment: This sequence change replaces glycine, which is neutral and non-polar, with serine, which is neutral and polar, at codon 1023 of the DNMT1 protein (p.Gly1023Ser). This variant is present in population databases (no rsID available, gnomAD 0.0009%). This variant has not been reported in the literature in individuals affected with DNMT1-related conditions. ClinVar contains an entry for this variant (Variation ID: 937516). Invitae Evidence Modeling of protein sequence and biophysical properties (such as structural, functional, and spatial information, amino acid conservation, physicochemical variation, residue mobility, and thermodynamic stability) indicates that this missense variant is not expected to disrupt DNMT1 protein function with a negative predictive value of 80%. In summary, the available evidence is currently insufficient to determine the role of this variant in disease. Therefore, it has been classified as a Variant of Uncertain Significance.